The following is an entry in ClinVar:

ClinVar aggregate classification (germline): Uncertain significance (1 of 4 stars; one submission).

Conditions:
Cardiovascular phenotype. Identifiers: MedGen CN230736.

gnomAD v4.1: 1 of 1,613,862 alleles (0.000062%); highest among the groups gnomAD compares: Non-Finnish European, 0.000085%; no homozygotes.

Submission:

Ambry Genetics
Classification: Uncertain significance for Cardiovascular phenotype. Last evaluated: 2025-05-03. Review status: criteria provided, single submitter. Criteria: Ambry Variant Classification Scheme 2023. Collection method: clinical testing. Allele origin: germline.
Comment: The p.F2486S variant (also known as c.7457T>C), located in coding exon 31 of the AKAP9 gene, results from a T to C substitution at nucleotide position 7457. The phenylalanine at codon 2486 is replaced by serine, an amino acid with highly dissimilar properties. This amino acid position is conserved. In addition, this alteration is predicted to be tolerated by in silico analysis. Based on the available evidence, the clinical significance of this variant remains unclear.

NM_005751.5(AKAP9):c.7457T>C (p.Phe2486Ser)

Gene: AKAP9 (A-kinase anchoring protein 9; plus strand). Cytogenetic location: 7q21.2.
Variant type: single nucleotide variant.
Coding change: c.7457T>C on transcript NM_005751.5 (MANE Select); coding-DNA position 7457, T replaced by C.
Protein change: p.Phe2486Ser; replaces phenylalanine 2486 with serine.
Molecular consequence: missense variant.
Genome position (GRCh38, 1-based): chr7:92,079,590, T>C. VCF-style: chr7-92079590-T-C. GRCh37 (hg19) VCF-style: chr7-91708904-T-C.
Other names: c.2102T>C, p.Phe701Ser (NM_001379277.1); c.7433T>C, p.Phe2478Ser (NM_147185.3); short protein forms F2478S, F2486S, F701S.
Identifiers: ClinVar variation 4033270 (VCV004033270.1).
Genomic context (GRCh38, chr7:92,079,590, plus strand): 5'-AAGTAGTCCTTACAGAGGATGCTCTTAAATCCCTAGAAAATCAGACATACTTCAAATCTT[T>C]TGAAGAAAATGGCAAAGGTTCCATAATTAATTTGGAAACAAGGTTGCTACAACTTGAGAG-3'
Protein context (NP_005742.4, residues 2476-2496): SLENQTYFKS[Phe2486Ser]EENGKGSIIN